The following is an entry in ClinVar:

ClinVar aggregate classification (germline): Uncertain significance (1 of 4 stars; one submission).

Conditions:
Left ventricular noncompaction 1 (LVNC1). Also called: LEFT VENTRICULAR NONCOMPACTION 1 WITH OR WITHOUT CONGENITAL HEART DEFECTS. Identifiers: Orphanet 54260, MedGen C1858725, MONDO:0011403, OMIM 604169.

Allele frequency attached by ClinVar (database versions not stated): gnomAD exomes below 0.00001.
gnomAD v4.1: 3 of 1,614,004 alleles (0.00019%); highest among the groups gnomAD compares: South Asian, 0.0011%; no homozygotes.

Submission:

Labcorp Genetics (formerly Invitae), Labcorp
Classification: Uncertain significance for Left ventricular noncompaction 1. Last evaluated: 2023-12-04. Review status: criteria provided, single submitter. Criteria: Invitae Variant Classification Sherloc (09022015). Collection method: clinical testing. Allele origin: germline.
Comment: This sequence change replaces alanine, which is neutral and non-polar, with valine, which is neutral and non-polar, at codon 118 of the DTNA protein (p.Ala118Val). This variant is not present in population databases (gnomAD no frequency). This variant has not been reported in the literature in individuals affected with DTNA-related conditions. Advanced modeling of protein sequence and biophysical properties (such as structural, functional, and spatial information, amino acid conservation, physicochemical variation, residue mobility, and thermodynamic stability) performed at Invitae indicates that this missense variant is not expected to disrupt DTNA protein function with a negative predictive value of 80%. In summary, the available evidence is currently insufficient to determine the role of this variant in disease. Therefore, it has been classified as a Variant of Uncertain Significance.

NM_001386795.1(DTNA):c.353C>T (p.Ala118Val)

Gene: DTNA (dystrobrevin alpha; plus strand). Cytogenetic location: 18q12.1.
Variant type: single nucleotide variant.
Coding change: c.353C>T on transcript NM_001386795.1 (MANE Select); coding-DNA position 353, C replaced by T.
Protein change: p.Ala118Val; replaces alanine 118 with valine.
Molecular consequence: missense variant.
Genome position (GRCh38, 1-based): chr18:34,794,241, C>T. VCF-style: chr18-34794241-C-T. GRCh37 (hg19) VCF-style: chr18-32374205-C-T.
Other names: c.353C>T, p.Ala118Val (NM_001386766.1, NM_001386767.1, NM_001386768.1 and 35 more transcripts); short protein forms A118V.
Identifiers: ClinVar variation 2958077 (VCV002958077.3), dbSNP rs141141892, ClinGen allele CA298588006.